The following is an entry in ClinVar:

NM_000179.3(MSH6):c.3040A>T (p.Lys1014Ter)

Gene: MSH6 (mutS homolog 6; plus strand). Cytogenetic location: 2p16.3.
Variant type: single nucleotide variant.
Coding change: c.3040A>T on transcript NM_000179.3 (MANE Select); coding-DNA position 3040, A replaced by T.
Protein change: p.Lys1014Ter; replaces lysine 1014 with a stop codon.
Molecular consequence: nonsense.
Genome position (GRCh38, 1-based): chr2:47,801,023, A>T. VCF-style: chr2-47801023-A-T. GRCh37 (hg19) VCF-style: chr2-48028162-A-T.
Other names: c.2650A>T, p.Lys884Ter (NM_001281492.2); c.2134A>T, p.Lys712Ter (NM_001281493.2, NM_001281494.2, NM_001406811.1 and 6 more transcripts); c.3136A>T, p.Lys1046Ter (NM_001406795.1, NM_001406802.1); c.3040A>T, p.Lys1014Ter (NM_001406796.1, NM_001406798.1, NM_001406800.1 and 2 more transcripts); c.2743A>T, p.Lys915Ter (NM_001406797.1, NM_001406801.1, NM_001406805.1 and 10 more transcripts); c.2515A>T, p.Lys839Ter (NM_001406799.1, NM_001406806.1, NM_001406807.1); c.2962A>T, p.Lys988Ter (NM_001406804.1); c.3046A>T, p.Lys1016Ter (NM_001406813.1); and 2 more; short protein forms K884*, K988*, K1014*, K1046*, K329*, K1016*, K958*, K712*.
Identifiers: ClinVar variation 1799159 (VCV001799159.3), dbSNP rs2104437393, ClinGen allele CA346756482.

ClinVar aggregate classification (germline): Pathogenic. Review status: criteria provided, multiple submitters, no conflicts (2 of 4 stars). 2 submissions from 2 submitters: Pathogenic (2). Last evaluated 2023-08-22.

Conditions:
Hereditary cancer-predisposing syndrome. Also called: Neoplastic Syndromes, Hereditary; Tumor predisposition; Hereditary Cancer Syndrome; Hereditary neoplastic syndrome. Identifiers: Orphanet 140162, MedGen C0027672, MeSH D009386, MONDO:0015356.
Lynch syndrome 5 (LYNCH5). Also called: Colorectal cancer, hereditary nonpolyposis, type 5; Hereditary non-polyposis colorectal cancer, type 5. Identifiers: Orphanet 144, MedGen C1833477, MONDO:0013710, OMIM 614350. Disease mechanism: loss of function.

Submissions (2):

Myriad Genetics, Inc.
Classification: Pathogenic for Lynch syndrome 5. Last evaluated: 2023-08-22. Review status: criteria provided, single submitter. Criteria: Myriad Autosomal Dominant, Autosomal Recessive and X-Linked Classification Criteria (2023). Collection method: clinical testing. Allele origin: unknown.
Comment: This variant is considered pathogenic. This variant creates a termination codon and is predicted to result in premature protein truncation.

Ambry Genetics
Classification: Pathogenic for Hereditary cancer-predisposing syndrome. Last evaluated: 2018-12-27. Review status: criteria provided, single submitter. Criteria: Ambry Variant Classification Scheme 2023. Collection method: clinical testing. Allele origin: germline.
Comment: The p.K1014* pathogenic mutation (also known as c.3040A>T), located in coding exon 4 of the MSH6 gene, results from an A to T substitution at nucleotide position 3040. This changes the amino acid from a lysine to a stop codon within coding exon 4. This alteration is expected to result in loss of function by premature protein truncation or nonsense-mediated mRNA decay. As such, this alteration is interpreted as a disease-causing mutation.